The following is an entry in ClinVar:

ClinVar aggregate classification (germline): Likely benign. Review status: criteria provided, multiple submitters, no conflicts (2 of 4 stars). 2 submissions from 2 submitters: Likely benign (2). Last evaluated 2026-01-19.

Conditions:
Pheochromocytoma/paraganglioma syndrome 5. Also called: Paragangliomas 5; SDHA-Related Hereditary Paraganglioma-Pheochromocytoma Syndrome. Identifiers: Orphanet 29072, MedGen C3279992, MONDO:0013602, OMIM 614165.
Mitochondrial complex II deficiency, nuclear type 1. Also called: SUCCINATE CoQ REDUCTASE DEFICIENCY. Identifiers: Orphanet 3208, MedGen C5700310, MONDO:0100294, OMIM 252011.

Allele frequency attached by ClinVar (database versions not stated): gnomAD exomes below 0.00001; TOPMed 0.00001.
gnomAD v4.1: 6 of 1,612,834 alleles (0.00037%); highest among the groups gnomAD compares: Non-Finnish European, 0.00051%; no homozygotes.

Submissions (2):

Labcorp Genetics (formerly Invitae), Labcorp
Classification: Likely benign for Pheochromocytoma/paraganglioma syndrome 5; Mitochondrial complex II deficiency, nuclear type 1. Last evaluated: 2026-01-19. Review status: criteria provided, single submitter. Criteria: Invitae Variant Classification Sherloc (09022015). Collection method: clinical testing. Allele origin: germline.

Myriad Genetics, Inc.
Classification: Likely benign for Pheochromocytoma/paraganglioma syndrome 5. Last evaluated: 2025-03-10. Review status: criteria provided, single submitter. Criteria: Myriad Autosomal Dominant, Autosomal Recessive and X-Linked Classification Criteria (2023). Collection method: clinical testing. Allele origin: unknown.
Comment: This variant is considered likely benign. This variant is intronic and is not expected to impact mRNA splicing.

NM_004168.4(SDHA):c.1261-16A>T

Gene: SDHA (succinate dehydrogenase complex flavoprotein subunit A; plus strand). Cytogenetic location: 5p15.33.
Variant type: single nucleotide variant.
Coding change: c.1261-16A>T on transcript NM_004168.4 (MANE Select); 16 bases into the intron before coding-DNA position 1261, A replaced by T.
Molecular consequence: intron variant.
Genome position (GRCh38, 1-based): chr5:236,412, A>T. VCF-style: chr5-236412-A-T. GRCh37 (hg19) VCF-style: chr5-236527-A-T.
Other names: c.1261-16A>T (NM_001330758.2); c.1117-16A>T (NM_001294332.2).
Identifiers: ClinVar variation 1605393 (VCV001605393.9), dbSNP rs1170006255, ClinGen allele CA557113567.